The following is an entry in ClinVar:

NM_001248.4(ENTPD3):c.791G>A (p.Arg264Gln)

Genes: ENTPD3 (ectonucleoside triphosphate diphosphohydrolase 3; plus strand), ENTPD3-AS1 (ENTPD3, EIF1B and MYRIP antisense RNA 1; minus strand). Cytogenetic location: 3p22.1.
Variant type: single nucleotide variant.
Coding change: c.791G>A on transcript NM_001248.4 (MANE Select); coding-DNA position 791, G replaced by A.
Protein change: p.Arg264Gln; replaces arginine 264 with glutamine.
Molecular consequence: missense variant.
Genome position (GRCh38, 1-based): chr3:40,416,033, G>A. VCF-style: chr3-40416033-G-A. GRCh37 (hg19) VCF-style: chr3-40457524-G-A.
Other names: c.791G>A, p.Arg264Gln (NM_001291960.2, NM_001291961.2); short protein forms R264Q.
Identifiers: ClinVar variation 2653692 (VCV002653692.24), dbSNP rs34266806, ClinGen allele CA2329246.

ClinVar aggregate classification (germline): Likely benign (1 of 4 stars; one submission).

Allele frequency attached by ClinVar (database versions not stated): 1000 Genomes Project 30x 0.00078; 1000 Genomes Project 0.00080; ESP Exome Variant Server 0.00507.
gnomAD v4.1: 7,935 of 1,613,954 alleles (0.49%); highest among the groups gnomAD compares: Non-Finnish European, 0.6%; 37 homozygotes.

Submission:

CeGaT Center for Human Genetics Tuebingen
Classification: Likely benign. Last evaluated: 2023-03-01. Review status: criteria provided, single submitter. Criteria: CeGaT Center For Human Genetics Tuebingen Variant Classification Criteria Version 2. Collection method: clinical testing. Allele origin: germline. Affected: yes. Observed: 1 variant allele.
Comment: ENTPD3: BP4, BS2